The following is an entry in ClinVar:

ClinVar aggregate classification (germline): Pathogenic/Likely pathogenic. Review status: criteria provided, multiple submitters, no conflicts (2 of 4 stars). 5 submissions from 4 submitters: Pathogenic (2); Likely pathogenic (2). 1 of the submissions does not count toward it. Last evaluated 2026-03-25.

Conditions:
Familial focal epilepsy with variable foci (FPEVF). Identifiers: Orphanet 98820, MedGen C1858477, MONDO:0020310.
Seizure. Also called: Seizures. Identifiers: MedGen C0036572, HP:0001250.
DEPDC5-related disorder. Also called: DEPDC5-related condition; DEPDC5-related related disorder.
Epilepsy, familial focal, with variable foci 1 (FFEVF1). Also called: DEPDC5-Related Epilepsy. Identifiers: MedGen C4551983, MONDO:0024556, OMIM 604364.

Allele frequency attached by ClinVar (database versions not stated): gnomAD 0.00001; gnomAD exomes 0.00002.
gnomAD v4.1: 13 of 1,613,066 alleles (0.00081%); highest among the groups gnomAD compares: Non-Finnish European, 0.000085%; no homozygotes.

Submissions (5):

GeneDx
Classification: Likely pathogenic. Last evaluated: 2026-03-25. Review status: criteria provided, single submitter. Criteria: GeneDx Variant Classification Process June 2021. Collection method: clinical testing. Allele origin: germline.
Comment: Nonsense variant predicted to result in protein truncation or nonsense mediated decay in a gene for which loss of function is a known mechanism of disease; This variant is associated with the following publications: (PMID: 31440721, 34926809, 37812946, 35687047)

Cytogénomique, Hospices Civils de Lyon
Classification: Pathogenic for Seizures. Last evaluated: 2024-07-12. Review status: criteria provided, single submitter. Criteria: ACMG Guidelines, 2015. Collection method: clinical testing. Allele origin: unknown. Affected: yes. Observed: 1 variant allele, 1 heterozygote.

Labcorp Genetics (formerly Invitae), Labcorp
Classification: Pathogenic for Familial focal epilepsy with variable foci. Last evaluated: 2021-08-05. Review status: criteria provided, single submitter. Criteria: Invitae Variant Classification Sherloc (09022015). Collection method: clinical testing. Allele origin: germline.
Comment: For these reasons, this variant has been classified as Pathogenic. Loss-of-function variants in DEPDC5 are known to be pathogenic (PMID: 23542697, 23542701). This variant is not present in population databases (ExAC no frequency). This variant has not been reported in the literature in individuals with DEPDC5-related disease. This sequence change creates a premature translational stop signal (p.Arg116*) in the DEPDC5 gene. It is expected to result in an absent or disrupted protein product.

Blueprint Genetics
Classification: Likely pathogenic for DEPDC5-related disorders. Last evaluated: 2020-11-30. Review status: criteria provided, single submitter. Criteria: ACMG Guidelines, 2015. Collection method: clinical testing. Allele origin: germline. Affected: yes. Observed: 4 variant alleles.

Cytogénomique, Hospices Civils de Lyon
Classification: Pathogenic for Epilepsy, familial focal, with variable foci 1. Review status: no assertion criteria provided. Collection method: clinical testing. Allele origin: unknown. Inheritance: Autosomal dominant inheritance. Affected: yes. Not counted in ClinVar's aggregate classification.

Literature cited by the submitters: PubMed 23542697 (cited by Labcorp Genetics (formerly Invitae), Labcorp); PubMed 23542701 (cited by Labcorp Genetics (formerly Invitae), Labcorp).

NM_001242896.3(DEPDC5):c.346C>T (p.Arg116Ter)

Gene: DEPDC5 (DEP domain containing 5, GATOR1 subcomplex subunit; plus strand). Cytogenetic location: 22q12.2.
Variant type: single nucleotide variant.
Coding change: c.346C>T on transcript NM_001242896.3 (MANE Select); coding-DNA position 346, C replaced by T.
Protein change: p.Arg116Ter; replaces arginine 116 with a stop codon.
Molecular consequence: nonsense. On other transcripts: non-coding transcript variant (5), intron variant (2).
Genome position (GRCh38, 1-based): chr22:31,766,651, C>T. VCF-style: chr22-31766651-C-T. GRCh37 (hg19) VCF-style: chr22-32162637-C-T.
Other names: c.346C>T, p.Arg116Ter (NM_001007188.4, NM_001136029.4, NM_001242897.2 and 7 more transcripts); c.279+1591C>T (NM_001369902.1, NM_001369901.1); short protein forms R116*.
Identifiers: ClinVar variation 534806 (VCV000534806.13), dbSNP rs1315483224, ClinGen allele CA411282530.
Genomic context (GRCh38, chr22:31,766,651, plus strand): 5'-ACCCTTGACCTAGTGGAATTAACTTTTAAGGATCAGTATATTGGCCGTGGGGATATGTGG[C>T]GACTAAAGAAAAGTTTGGTAAGATGTGATTTTTTTTGAAAGTCTGTTACTTTTTCCATTA-3'